The following is an entry in ClinVar:

ClinVar aggregate classification (germline): Uncertain significance. Review status: criteria provided, multiple submitters, no conflicts (2 of 4 stars). 2 submissions from 2 submitters: Uncertain significance (2). Last evaluated 2024-05-14.

Conditions:
Intellectual disability, autosomal dominant 24 (VSVS). Also called: VULTO-VAN SILFHOUT-DE VRIES SYNDROME. Identifiers: MedGen C4014414, MONDO:0014357, OMIM 615828.

Allele frequency attached by ClinVar (database versions not stated): gnomAD exomes below 0.00001; gnomAD 0.00001; TOPMed 0.00001.
gnomAD v4.1: 4 of 1,613,730 alleles (0.00025%); highest among the groups gnomAD compares: Non-Finnish European, 0.00034%; no homozygotes.

Submissions (2):

Labcorp Genetics (formerly Invitae), Labcorp
Classification: Uncertain significance. Last evaluated: 2024-05-14. Review status: criteria provided, single submitter. Criteria: Invitae Variant Classification Sherloc (09022015). Collection method: clinical testing. Allele origin: germline.
Comment: This sequence change replaces methionine, which is neutral and non-polar, with isoleucine, which is neutral and non-polar, at codon 512 of the DEAF1 protein (p.Met512Ile). This variant is present in population databases (no rsID available, gnomAD 0.0009%). This variant has not been reported in the literature in individuals affected with DEAF1-related conditions. Advanced modeling of protein sequence and biophysical properties (such as structural, functional, and spatial information, amino acid conservation, physicochemical variation, residue mobility, and thermodynamic stability) performed at Invitae indicates that this missense variant is not expected to disrupt DEAF1 protein function with a negative predictive value of 80%. In summary, the available evidence is currently insufficient to determine the role of this variant in disease. Therefore, it has been classified as a Variant of Uncertain Significance.

Clinical Genomics Laboratory, Washington University in St. Louis
Classification: Uncertain significance for Intellectual disability, autosomal dominant 24. Last evaluated: 2023-11-03. Review status: criteria provided, single submitter. Criteria: ACMG Guidelines, 2015. Collection method: clinical testing. Allele origin: germline.
Comment: The DEAF1 c.1536G>C (p.Met512Ile) variant, to our knowledge, has not been reported in the medical literature. This variant is only observed on 1/251,006 alleles in the general population (gnomAD v.2.1.1), indicating it is not a common variant. Computational predictors suggest that the variant does not impact DEAF1 function. The variant resides within the MYND domain, amino acids 504-540, that is known to regulate protein interactions (Kateb F et al., PMID: 23372760). Due to limited information, and based on ACMG/AMP guidelines for variant interpretation (Richards S et al., PMID: 25741868), the clinical significance of this variant is uncertain at this time.

NM_021008.4(DEAF1):c.1536G>C (p.Met512Ile)

Gene: DEAF1 (DEAF1 transcription factor; minus strand). Cytogenetic location: 11p15.5.
Variant type: single nucleotide variant.
Coding change: c.1536G>C on transcript NM_021008.4 (MANE Select); coding-DNA position 1536, G replaced by C.
Protein change: p.Met512Ile; replaces methionine 512 with isoleucine.
Molecular consequence: missense variant.
Genome position (GRCh38, 1-based): chr11:654,019, C>G on the plus strand (G>C on the coding strand, the complement: DEAF1 is on the minus strand). VCF-style: chr11-654019-C-G. GRCh37 (hg19) VCF-style: chr11-654019-C-G.
Other names: c.1311G>C, p.Met437Ile (NM_001293634.2); c.810G>C, p.Met270Ile (NM_001367390.1); short protein forms M270I, M437I, M512I.
Identifiers: ClinVar variation 2672186 (VCV002672186.3), dbSNP rs1391894786, ClinGen allele CA379016426.